The following is an entry in ClinVar:

ClinVar aggregate classification (germline): Conflicting classifications of pathogenicity. Review status: criteria provided, conflicting classifications (1 of 4 stars). 12 submissions from 12 submitters: Uncertain significance (1); Benign (4); Likely benign (3). 4 of the submissions do not count toward it. Last evaluated 2026-02-02.

Conditions:
PKHD1-related disorder. Also called: PKHD1-related condition.
Polycystic kidney disease 4 (PKD4). Also called: POLYCYSTIC KIDNEY AND HEPATIC DISEASE 1; POLYCYSTIC KIDNEY DISEASE, INFANTILE, TYPE I; POLYCYSTIC KIDNEY DISEASE 4 WITH OR WITHOUT POLYCYSTIC LIVER DISEASE; Autosomal Recessive Polycystic Kidney Disease – PKHD1; PKD3. Identifiers: MedGen C4540575, MONDO:0033004, OMIM 263200.
Autosomal recessive polycystic kidney disease (ARPKD). Also called: AR polycystic kidney disease. Identifiers: Orphanet 731, Orphanet 8378, MedGen C0085548, MeSH D017044, MONDO:0009889.

Allele frequency attached by ClinVar (database versions not stated): TOPMed 0.00090; ExAC 0.00207; gnomAD 0.00073 and 0.00104; ESP Exome Variant Server 0.00062; 1000 Genomes Project 0.00180; 1000 Genomes Project 30x 0.00156; gnomAD exomes 0.00211.
gnomAD v4.1: 1,979 of 1,613,972 alleles (0.12%); highest among the groups gnomAD compares: South Asian, 0.87%; 10 homozygotes.

Submissions (12):

Labcorp Genetics (formerly Invitae), Labcorp
Classification: Benign for Autosomal recessive polycystic kidney disease. Last evaluated: 2026-02-02. Review status: criteria provided, single submitter. Criteria: Invitae Variant Classification Sherloc (09022015). Collection method: clinical testing. Allele origin: germline.

CeGaT Center for Human Genetics Tuebingen
Classification: Likely benign. Last evaluated: 2025-12-01. Review status: criteria provided, single submitter. Criteria: CeGaT Center For Human Genetics Tuebingen Variant Classification Criteria Version 2. Collection method: clinical testing. Allele origin: germline. Affected: yes. Observed: 2 variant alleles.
Comment: PKHD1: BP4, BS2

Blueprint Genetics
Classification: Likely benign. Last evaluated: 2024-11-14. Review status: criteria provided, single submitter. Criteria: ACMG Guidelines, 2015. Collection method: clinical testing. Allele origin: germline.

Pars Genome Lab
Classification: Likely benign for Polycystic kidney disease 4. Last evaluated: 2021-05-18. Review status: criteria provided, single submitter. Criteria: ACMG Guidelines, 2015. Collection method: clinical testing. Allele origin: germline. Affected: no.

Women's Health and Genetics/Laboratory Corporation of America, LabCorp
Classification: Benign. Last evaluated: 2021-05-09. Review status: criteria provided, single submitter. Criteria: LabCorp Variant Classification Summary - May 2015. Collection method: clinical testing. Allele origin: germline.
Comment: Variant summary: PKHD1 c.9215C>T (p.Ala3072Val) results in a non-conservative amino acid change located in the Right handed beta helix domain (IPR039448) of the encoded protein sequence. Four of five in-silico tools predict a benign effect of the variant on protein function. The variant allele was found at a frequency of 0.0021 in 251036 control chromosomes, predominantly at a frequency of 0.0086 within the South Asian subpopulation in the gnomAD database, including 2 homozygotes. The observed variant frequency within South Asian control individuals in the gnomAD database is approximately 1.2 fold of the estimated maximal expected allele frequency for a pathogenic variant in PKHD1 causing Polycystic Kidney And Hepatic Disease phenotype (0.0071), strongly suggesting that the variant is a benign polymorphism found primarily in populations of South Asian origin. Although c.9215C>T has been reported in sequencing studies and databases (example, Bergmann_2005), to our knowledge, no occurrence of c.9215C>T in individuals affected with Polycystic Kidney And Hepatic Disease and no experimental evidence demonstrating its impact on protein function have been reported. Three clinical diagnostic laboratories have submitted clinical-significance assessments for this variant to ClinVar after 2014 without evidence for independent evaluation (Benign, n=2; VUS, n=1). Based on the evidence outlined above, the variant was classified as benign.

GeneDx
Classification: Benign. Last evaluated: 2020-08-03. Review status: criteria provided, single submitter. Criteria: GeneDx Variant Classification Process June 2021. Collection method: clinical testing. Allele origin: germline. Affected: yes.
Comment: This variant is associated with the following publications: (PMID: 22995991, 15805161)

Illumina Laboratory Services, Illumina
Classification: Uncertain significance for Polycystic kidney disease 4. Last evaluated: 2017-04-27. Review status: criteria provided, single submitter. Criteria: ICSL Variant Classification Criteria 13 December 2019. Collection method: clinical testing. Allele origin: germline.
Comment: This variant was observed as part of a predisposition screen in an ostensibly healthy population. A literature search was performed for the gene, cDNA change, and amino acid change (where applicable). Publications were found based on this search. However, the evidence from the literature, in combination with allele frequency data from public databases where available, was not sufficient to rule this variant in or out of causing disease. Therefore, this variant is classified as a variant of unknown significance.

Eurofins Ntd Llc (ga)
Classification: Benign. Last evaluated: 2016-11-07. Review status: criteria provided, single submitter. Criteria: EGL Classification Definitions 2015. Collection method: clinical testing. Allele origin: germline. Observed: 2 variant alleles, 2 heterozygotes.

PreventionGenetics, part of Exact Sciences
Classification: Benign for PKHD1-related condition. Last evaluated: 2021-03-29. Review status: no assertion criteria provided. Collection method: clinical testing. Allele origin: germline. Not counted in ClinVar's aggregate classification.
Comment: This variant is classified as benign based on ACMG/AMP sequence variant interpretation guidelines (Richards et al. 2015 PMID: 25741868, with internal and published modifications).

Natera, Inc.
Classification: Benign for Autosomal recessive polycystic kidney disease. Last evaluated: 2017-06-30. Review status: no assertion criteria provided. Collection method: clinical testing. Allele origin: germline. Not counted in ClinVar's aggregate classification.

Clinical Genetics DNA and cytogenetics Diagnostics Lab, Erasmus MC, Erasmus Medical Center
Classification: Likely benign. Review status: no assertion criteria provided. Collection method: clinical testing. Allele origin: germline. Affected: yes. Study: VKGL Data-share Consensus. Not counted in ClinVar's aggregate classification.

Genome Diagnostics Laboratory, University Medical Center Utrecht
Classification: Likely benign. Review status: no assertion criteria provided. Collection method: clinical testing. Allele origin: germline. Affected: yes. Study: VKGL Data-share Consensus. Not counted in ClinVar's aggregate classification.

Literature cited by the submitters: PubMed 15698423 (cited by Women's Health and Genetics/Laboratory Corporation of America, LabCorp and Eurofins Ntd Llc (ga)); PubMed 15805161 (cited by Illumina Laboratory Services, Illumina); PubMed 15108281 (cited by Illumina Laboratory Services, Illumina); PubMed 15108277 (cited by Illumina Laboratory Services, Illumina).

NM_138694.4(PKHD1):c.9215C>T (p.Ala3072Val)

Gene: PKHD1 (PKHD1 ciliary IPT domain containing fibrocystin/polyductin; minus strand). Cytogenetic location: 6p12.3.
Variant type: single nucleotide variant.
Coding change: c.9215C>T on transcript NM_138694.4 (MANE Select); coding-DNA position 9215, C replaced by T.
Protein change: p.Ala3072Val; replaces alanine 3072 with valine.
Molecular consequence: missense variant.
Genome position (GRCh38, 1-based): chr6:51,748,401, G>A on the plus strand (C>T on the coding strand, the complement: PKHD1 is on the minus strand). VCF-style: chr6-51748401-G-A. GRCh37 (hg19) VCF-style: chr6-51613199-G-A.
Other names: c.9215C>T, p.Ala3072Val (NM_170724.3); short protein forms A3072V.
Identifiers: ClinVar variation 96440 (VCV000096440.53), dbSNP rs139306706, ClinGen allele CA224110.